The following is an entry in ClinVar:

ClinVar aggregate classification (germline): Uncertain significance (1 of 4 stars; one submission).

Conditions:
Primary ciliary dyskinesia. Also called: Ciliary dyskinesia. Identifiers: Orphanet 244, MedGen C0008780, MONDO:0016575, HP:0012265.

Submission:

Ambry Genetics
Classification: Uncertain significance for Primary ciliary dyskinesia. Last evaluated: 2024-08-12. Review status: criteria provided, single submitter. Criteria: Ambry Variant Classification Scheme 2023. Collection method: clinical testing. Allele origin: germline.
Comment: The p.C1552S variant (also known as c.4655G>C), located in coding exon 26 of the DNAH11 gene, results from a G to C substitution at nucleotide position 4655. The cysteine at codon 1552 is replaced by serine, an amino acid with dissimilar properties. This amino acid position is conserved. In addition, this alteration is predicted to be tolerated by in silico analysis. Based on the available evidence, the clinical significance of this variant remains unclear.

NM_001277115.2(DNAH11):c.4655G>C (p.Cys1552Ser)

Gene: DNAH11 (dynein axonemal heavy chain 11; plus strand). Cytogenetic location: 7p15.3.
Variant type: single nucleotide variant.
Coding change: c.4655G>C on transcript NM_001277115.2 (MANE Select); coding-DNA position 4655, G replaced by C.
Protein change: p.Cys1552Ser; replaces cysteine 1552 with serine.
Molecular consequence: missense variant.
Genome position (GRCh38, 1-based): chr7:21,636,025, G>C. VCF-style: chr7-21636025-G-C. GRCh37 (hg19) VCF-style: chr7-21675643-G-C.
Other names: short protein forms C1552S.
Identifiers: ClinVar variation 3503063 (VCV003503063.1).